The following is an entry in ClinVar:

ClinVar aggregate classification (germline): Uncertain significance. Review status: criteria provided, multiple submitters, no conflicts (2 of 4 stars). 2 submissions from 2 submitters: Uncertain significance (2). Last evaluated 2024-07-19.

Conditions:
Inborn genetic diseases. Identifiers: MedGen C0950123, MeSH D030342.
Developmental and epileptic encephalopathy, 36 (DEE36). Also called: Epileptic encephalopathy, early infantile, 36; Congenital disorder of glycosylation, type Is; ALG13-CDG. Identifiers: Orphanet 324422, MedGen C4317295, MONDO:0010472, OMIM 300884.

Allele frequency attached by ClinVar (database versions not stated): TOPMed below 0.00001.
gnomAD v4.1: 8 of 1,207,726 alleles (0.00066%); highest among the groups gnomAD compares: East Asian, 0.0089%; no homozygotes.

Submissions (2):

Labcorp Genetics (formerly Invitae), Labcorp
Classification: Uncertain significance for Developmental and epileptic encephalopathy, 36. Last evaluated: 2024-07-19. Review status: criteria provided, single submitter. Criteria: Invitae Variant Classification Sherloc (09022015). Collection method: clinical testing. Allele origin: germline.
Comment: This sequence change replaces arginine, which is basic and polar, with glutamine, which is neutral and polar, at codon 290 of the ALG13 protein (p.Arg290Gln). This variant is not present in population databases (gnomAD no frequency). This variant has not been reported in the literature in individuals affected with ALG13-related conditions. ClinVar contains an entry for this variant (Variation ID: 1402436). Advanced modeling of protein sequence and biophysical properties (such as structural, functional, and spatial information, amino acid conservation, physicochemical variation, residue mobility, and thermodynamic stability) has been performed at Invitae for this missense variant, however the output from this modeling did not meet the statistical confidence thresholds required to predict the impact of this variant on ALG13 protein function. In summary, the available evidence is currently insufficient to determine the role of this variant in disease. Therefore, it has been classified as a Variant of Uncertain Significance.

Ambry Genetics
Classification: Uncertain significance for Inborn genetic diseases. Last evaluated: 2017-09-15. Review status: criteria provided, single submitter. Criteria: Ambry Variant Classification Scheme 2023. Collection method: clinical testing. Allele origin: germline.
Comment: The p.R290Q variant (also known as c.869G>A), located in coding exon 6 of the ALG13 gene, results from a G to A substitution at nucleotide position 869. The arginine at codon 290 is replaced by glutamine, an amino acid with highly similar properties. This amino acid position is highly conserved in available vertebrate species. In addition, this alteration is predicted to be tolerated by in silico analysis. Since supporting evidence is limited at this time, the clinical significance of this alteration remains unclear.

NM_001099922.3(ALG13):c.869G>A (p.Arg290Gln)

Gene: ALG13 (ALG13 UDP-N-acetylglucosaminyltransferase subunit; plus strand). Cytogenetic location: Xq23.
Variant type: single nucleotide variant.
Coding change: c.869G>A on transcript NM_001099922.3 (MANE Select); coding-DNA position 869, G replaced by A.
Protein change: p.Arg290Gln; replaces arginine 290 with glutamine.
Molecular consequence: missense variant.
Genome position (GRCh38, 1-based): chrX:111,711,709, G>A. VCF-style: chrX-111711709-G-A. GRCh37 (hg19) VCF-style: chrX-110954937-G-A.
Other names: c.557G>A, p.Arg186Gln (NM_001257230.2, NM_001257234.2, NM_001257237.2 and 1 more transcripts); c.635G>A, p.Arg212Gln (NM_001257231.2); c.869G>A, p.Arg290Gln (NM_001324292.2); short protein forms R212Q, R290Q, R186Q.
Identifiers: ClinVar variation 1402436 (VCV001402436.7), dbSNP rs1939809151, ClinGen allele CA414250297.